The following is an entry in ClinVar:

NM_005027.4(PIK3R2):c.1243G>A (p.Ala415Thr)

Gene: PIK3R2 (phosphoinositide-3-kinase regulatory subunit 2; plus strand). Cytogenetic location: 19p13.11.
Variant type: single nucleotide variant.
Coding change: c.1243G>A on transcript NM_005027.4 (MANE Select); coding-DNA position 1243, G replaced by A.
Protein change: p.Ala415Thr; replaces alanine 415 with threonine.
Molecular consequence: missense variant. On other transcripts: non-coding transcript variant (2).
Genome position (GRCh38, 1-based): chr19:18,163,100, G>A. VCF-style: chr19-18163100-G-A. GRCh37 (hg19) VCF-style: chr19-18273910-G-A.
Other names: short protein forms A415T.
Identifiers: ClinVar variation 1296705 (VCV001296705.15), dbSNP rs200178501, ClinGen allele CA9306960.
Genomic context (GRCh38, chr19:18,163,100, plus strand): 5'-TTCTGCTCCGTTGTGGACCTCATCAATCACTACCGCCACGAGTCTCTGGCCCAGTACAAT[G>A]CCAAGCTGGACACACGGCTCCTCTACCCTGTGTCCAAATACCAGCAGGTCCGTGCTGGCC-3'
Protein context (NP_005018.2, residues 405-425): YRHESLAQYN[Ala415Thr]KLDTRLLYPV

ClinVar aggregate classification (germline): Conflicting classifications of pathogenicity. Review status: criteria provided, conflicting classifications (1 of 4 stars). 7 submissions from 7 submitters: Uncertain significance (2); Benign (2); Likely benign (2). 1 of the submissions does not count toward it. Last evaluated 2025-12-23.

Conditions:
PIK3R2-related disorder. Also called: PIK3R2-related condition.
Megalencephaly-polymicrogyria-postaxial polydactyly-hydrocephalus syndrome. Also called: MEG-PMG-MEGACC SYNDROME; MPPH Syndrome. Identifiers: Orphanet 83473, MedGen C1863924, MONDO:0019375.
Inborn genetic diseases. Identifiers: MedGen C0950123, MeSH D030342.
Megalencephaly-polymicrogyria-polydactyly-hydrocephalus syndrome 1 (MPPH1). Also called: MEGALENCEPHALY, MEGA CORPUS CALLOSUM, AND COMPLETE LACK OF MOTOR DEVELOPMENT; MEGALENCEPHALY, POLYMICROGYRIA, MEGA CORPUS CALLOSUM SYNDROME. Identifiers: Orphanet 83473, MedGen C4012727, MONDO:0011313, OMIM 603387.

Allele frequency attached by ClinVar (database versions not stated): ExAC 0.00013; gnomAD exomes 0.00016 and 0.00046; ESP Exome Variant Server 0.00023; gnomAD 0.00025 and 0.00026; TOPMed 0.00029.

Submissions (7):

Labcorp Genetics (formerly Invitae), Labcorp
Classification: Uncertain significance for Megalencephaly-polymicrogyria-postaxial polydactyly-hydrocephalus syndrome. Last evaluated: 2025-12-23. Review status: criteria provided, single submitter. Criteria: Invitae Variant Classification Sherloc (09022015). Collection method: clinical testing. Allele origin: germline.
Comment: This sequence change replaces alanine, which is neutral and non-polar, with threonine, which is neutral and polar, at codon 415 of the PIK3R2 protein (p.Ala415Thr). This variant is present in population databases (rs200178501, gnomAD 0.03%), and has an allele count higher than expected for a pathogenic variant. This variant has not been reported in the literature in individuals affected with PIK3R2-related conditions. ClinVar contains an entry for this variant (Variation ID: 1296705). Invitae Evidence Modeling of protein sequence and biophysical properties (such as structural, functional, and spatial information, amino acid conservation, physicochemical variation, residue mobility, and thermodynamic stability) indicates that this missense variant is not expected to disrupt PIK3R2 protein function with a negative predictive value of 80%. In summary, the available evidence is currently insufficient to determine the role of this variant in disease. Therefore, it has been classified as a Variant of Uncertain Significance.

Blueprint Genetics
Classification: Likely benign. Last evaluated: 2024-09-06. Review status: criteria provided, single submitter. Criteria: ACMG Guidelines, 2015. Collection method: clinical testing. Allele origin: germline.

Clinical Genomics Laboratory, Washington University in St. Louis
Classification: Uncertain significance for Megalencephaly-polymicrogyria-polydactyly-hydrocephalus syndrome 1. Last evaluated: 2024-07-25. Review status: criteria provided, single submitter. Criteria: ACMG Guidelines, 2015. Collection method: clinical testing. Allele origin: germline.
Comment: The PIK3R2 c.1243G>A (p.Ala415Thr) variant was identified at a heterozygous allelic fraction, a frequency which may be consistent with it being of germline origin. This variant, to our knowledge, has not been reported in the medical literature. This variant is observed on 729/1,613,686 alleles in the general population (gnomAD v4.1.0). This variant has been reported in the ClinVar database as a benign/likely benign variant by four submitters and a variant of uncertain significance by one submitter in a germline state (ClinVar Variation ID: 1296705). This variant resides within a SH2_PIK3R2 domain of PIK3R2 that is defined as a critical functional domain (Ito Y et al., PMID: 28915558). Computational predictors suggest that the variant does not impact PIK3R2 function. Due to limited information, and based on ACMG/AMP guidelines for variant interpretation (Richards S et al., PMID: 25741868), the clinical significance of the PIK3R2 c.1243G>A (p.Ala415Thr) variant is uncertain at this time.

Ambry Genetics
Classification: Likely benign for Inborn genetic diseases. Last evaluated: 2021-12-03. Review status: criteria provided, single submitter. Criteria: Ambry Variant Classification Scheme 2023. Collection method: clinical testing. Allele origin: germline.

Genetic Services Laboratory, University of Chicago
Classification: Benign. Last evaluated: 2021-11-21. Review status: criteria provided, single submitter. Criteria: ACMG Guidelines, 2015. Collection method: clinical testing. Allele origin: germline. Affected: no.

GeneDx
Classification: Benign. Last evaluated: 2018-10-15. Review status: criteria provided, single submitter. Criteria: GeneDx Variant Classification Process June 2021. Collection method: clinical testing. Allele origin: germline. Affected: yes.

PreventionGenetics, part of Exact Sciences
Classification: Likely benign for PIK3R2-related condition. Last evaluated: 2020-10-21. Review status: no assertion criteria provided. Collection method: clinical testing. Allele origin: germline. Not counted in ClinVar's aggregate classification.
Comment: This variant is classified as likely benign based on ACMG/AMP sequence variant interpretation guidelines (Richards et al. 2015 PMID: 25741868, with internal and published modifications).